The following is an entry in ClinVar:

ClinVar aggregate classification (germline): Uncertain significance (1 of 4 stars; one submission).

Conditions:
Intellectual developmental disorder, autosomal dominant 47. Also called: Intellectual disability, autosomal dominant 47; MENTAL RETARDATION, AUTOSOMAL DOMINANT 47. Identifiers: Orphanet 502434, MedGen C4539951, MONDO:0030912, OMIM 617635.

gnomAD v4.1: 1 of 1,608,138 alleles (0.000062%); no homozygotes.

Submission:

Baylor Genetics
Classification: Uncertain significance for Intellectual developmental disorder, autosomal dominant 47. Last evaluated: 2020-04-21. Review status: criteria provided, single submitter. Criteria: ACMG Guidelines, 2015. Collection method: clinical testing. Allele origin: unknown. Affected: yes.
Comment: This variant was determined to be of uncertain significance according to ACMG Guidelines, 2015 [PMID:25741868].

NM_005862.3(STAG1):c.1442C>A (p.Ala481Glu)

Gene: STAG1 (STAG1 cohesin complex component; minus strand). Cytogenetic location: 3q22.3.
Variant type: single nucleotide variant.
Coding change: c.1442C>A on transcript NM_005862.3 (MANE Select); coding-DNA position 1442, C replaced by A.
Protein change: p.Ala481Glu; replaces alanine 481 with glutamic acid.
Molecular consequence: missense variant.
Genome position (GRCh38, 1-based): chr3:136,443,391, G>T on the plus strand (C>A on the coding strand, the complement: STAG1 is on the minus strand). VCF-style: chr3-136443391-G-T. GRCh37 (hg19) VCF-style: chr3-136162233-G-T.
Other names: short protein forms A481E.
Identifiers: ClinVar variation 1028431 (VCV001028431.1), dbSNP rs2088687467, ClinGen allele CA354648130.